The following is an entry in ClinVar:

ClinVar aggregate classification (germline): Uncertain significance (1 of 4 stars; one submission).

Submission:

Labcorp Genetics (formerly Invitae), Labcorp
Classification: Uncertain significance. Last evaluated: 2022-12-30. Review status: criteria provided, single submitter. Criteria: Invitae Variant Classification Sherloc (09022015). Collection method: clinical testing. Allele origin: germline.
Comment: Algorithms developed to predict the effect of missense changes on protein structure and function are either unavailable or do not agree on the potential impact of this missense change (SIFT: "Deleterious"; PolyPhen-2: "Benign"; Align-GVGD: "Class C0"). This variant has not been reported in the literature in individuals affected with AP2M1-related conditions. This variant is not present in population databases (gnomAD no frequency). This sequence change replaces arginine, which is basic and polar, with glutamine, which is neutral and polar, at codon 383 of the AP2M1 protein (p.Arg383Gln). In summary, the available evidence is currently insufficient to determine the role of this variant in disease. Therefore, it has been classified as a Variant of Uncertain Significance.

NM_004068.4(AP2M1):c.1148G>A (p.Arg383Gln)

Gene: AP2M1 (adaptor related protein complex 2 subunit mu 1; plus strand). Cytogenetic location: 3q27.1.
Variant type: single nucleotide variant.
Coding change: c.1148G>A on transcript NM_004068.4 (MANE Select); coding-DNA position 1148, G replaced by A.
Protein change: p.Arg383Gln; replaces arginine 383 with glutamine.
Molecular consequence: missense variant.
Genome position (GRCh38, 1-based): chr3:184,182,843, G>A. VCF-style: chr3-184182843-G-A. GRCh37 (hg19) VCF-style: chr3-183900631-G-A.
Other names: c.1142G>A, p.Arg381Gln (NM_001025205.2); c.1223G>A, p.Arg408Gln (NM_001311198.2); short protein forms R381Q, R383Q, R408Q.
Identifiers: ClinVar variation 2825075 (VCV002825075.3), dbSNP rs2473727366, ClinGen allele CA355429964.